The following is an entry in ClinVar:

ClinVar aggregate classification (germline): Uncertain significance (1 of 4 stars; one submission).

Allele frequency attached by ClinVar (database versions not stated): gnomAD exomes below 0.00001; gnomAD 0.00001.
gnomAD v4.1: 6 of 1,614,068 alleles (0.00037%); highest among the groups gnomAD compares: East Asian, 0.0022%; no homozygotes.

Submission:

CeGaT Center for Human Genetics Tuebingen
Classification: Uncertain significance. Last evaluated: 2023-12-01. Review status: criteria provided, single submitter. Criteria: CeGaT Center For Human Genetics Tuebingen Variant Classification Criteria Version 2. Collection method: clinical testing. Allele origin: germline. Affected: yes. Observed: 1 variant allele.
Comment: ZBTB40: PM2

NM_014870.4(ZBTB40):c.2728C>T (p.Arg910Cys)

Gene: ZBTB40 (zinc finger and BTB domain containing 40; plus strand). Cytogenetic location: 1p36.12.
Variant type: single nucleotide variant.
Coding change: c.2728C>T on transcript NM_014870.4 (MANE Select); coding-DNA position 2728, C replaced by T.
Protein change: p.Arg910Cys; replaces arginine 910 with cysteine.
Molecular consequence: missense variant.
Genome position (GRCh38, 1-based): chr1:22,517,359, C>T. VCF-style: chr1-22517359-C-T. GRCh37 (hg19) VCF-style: chr1-22843852-C-T.
Other names: c.2728C>T, p.Arg910Cys (NM_001083621.2); c.2392C>T, p.Arg798Cys (NM_001330398.2); short protein forms R798C, R910C.
Identifiers: ClinVar variation 3026681 (VCV003026681.22), dbSNP rs768590722, ClinGen allele CA19175149.